The following is an entry in ClinVar:

NM_021930.6(RINT1):c.1924A>T (p.Met642Leu)

Genes: EFCAB10 (EF-hand calcium binding domain 10; minus strand), RINT1 (RAD50 interactor 1; plus strand). Cytogenetic location: 7q22.3.
Variant type: single nucleotide variant.
Coding change: c.1924A>T on transcript NM_021930.6 (MANE Select); coding-DNA position 1924, A replaced by T.
Protein change: p.Met642Leu; replaces methionine 642 with leucine.
Molecular consequence: missense variant. On other transcripts: 3 prime UTR variant (3), non-coding transcript variant (1).
Genome position (GRCh38, 1-based): chr7:105,565,314, A>T. VCF-style: chr7-105565314-A-T. GRCh37 (hg19) VCF-style: chr7-105205761-A-T.
Other names: c.*133T>A (NM_001355526.2); c.*235T>A (NM_001355530.2); c.*88T>A (NM_001355531.2); c.1690A>T, p.Met564Leu (NM_001346599.2); c.901A>T, p.Met301Leu (NM_001346600.2, NM_001346603.2); c.1000A>T, p.Met334Leu (NM_001346601.2); short protein forms M642L, M564L, M334L, M301L.
Identifiers: ClinVar variation 410785 (VCV000410785.10), dbSNP rs1060503044, ClinGen allele CA16612232.

ClinVar aggregate classification (germline): Uncertain significance (1 of 4 stars; one submission).

Submission:

Labcorp Genetics (formerly Invitae), Labcorp
Classification: Uncertain significance. Last evaluated: 2016-07-27. Review status: criteria provided, single submitter. Criteria: Invitae Variant Classification Sherloc (09022015). Collection method: clinical testing. Allele origin: germline.
Comment: Algorithms developed to predict the effect of missense changes on protein structure and function (SIFT, PolyPhen-2, Align-GVGD) all suggest that this variant is likely to be tolerated, but these predictions have not been confirmed by published functional studies. This sequence change replaces methionine with leucine at codon 642 of the RINT1 protein (p.Met642Leu). The methionine residue is highly conserved and there is a small physicochemical difference between methionine and leucine. This variant is not present in population databases (ExAC no frequency) and has not been reported in the literature in individuals with a RINT1-related disease. In summary, this variant is a novel missense change that is not predicted to affect protein function. There is no indication that it causes disease, but the available evidence is currently insufficient to prove that conclusively. Therefore, it has been classified as a Variant of Uncertain Significance.